The following is an entry in ClinVar:

ClinVar aggregate classification (germline): Uncertain significance. Review status: criteria provided, single submitter (1 of 4 stars). 2 submissions from 2 submitters: Uncertain significance (1). 1 of the submissions does not count toward it. Last evaluated 2022-02-03.

Conditions:
Nemaline myopathy 2 (NEM2). Also called: Nemaline myopathy 2, autosomal recessive. Identifiers: MedGen C1850569, MONDO:0009725, OMIM 256030.

Allele frequency attached by ClinVar (database versions not stated): gnomAD exomes 0.00001 and 0.00002; ExAC 0.00003.
gnomAD v4.1: 3 of 1,613,848 alleles (0.00019%); highest among the groups gnomAD compares: Non-Finnish European, 0.00025%; no homozygotes.

Submissions (2):

Labcorp Genetics (formerly Invitae), Labcorp
Classification: Uncertain significance for Nemaline myopathy 2. Last evaluated: 2022-02-03. Review status: criteria provided, single submitter. Criteria: Invitae Variant Classification Sherloc (09022015). Collection method: clinical testing. Allele origin: germline.
Comment: This sequence change replaces threonine, which is neutral and polar, with alanine, which is neutral and non-polar, at codon 652 of the NEB protein (p.Thr652Ala). This variant is present in population databases (rs752227497, gnomAD 0.004%). This variant has not been reported in the literature in individuals affected with NEB-related conditions. ClinVar contains an entry for this variant (Variation ID: 847652). Algorithms developed to predict the effect of missense changes on protein structure and function are either unavailable or do not agree on the potential impact of this missense change (SIFT: "Deleterious"; PolyPhen-2: "Not Available"; Align-GVGD: "Class C0"). In summary, the available evidence is currently insufficient to determine the role of this variant in disease. Therefore, it has been classified as a Variant of Uncertain Significance.

Natera, Inc.
Classification: Uncertain significance for Nemaline myopathy type 2. Last evaluated: 2020-10-26. Review status: no assertion criteria provided. Collection method: clinical testing. Allele origin: germline. Not counted in ClinVar's aggregate classification.

NM_001164508.2(NEB):c.1954A>G (p.Thr652Ala)

Gene: NEB (nebulin; minus strand). Cytogenetic location: 2q23.3.
Variant type: single nucleotide variant.
Coding change: c.1954A>G on transcript NM_001164508.2 (MANE Select); coding-DNA position 1954, A replaced by G.
Protein change: p.Thr652Ala; replaces threonine 652 with alanine.
Molecular consequence: missense variant.
Genome position (GRCh38, 1-based): chr2:151,692,305, T>C on the plus strand (A>G on the coding strand, the complement: NEB is on the minus strand). VCF-style: chr2-151692305-T-C. GRCh37 (hg19) VCF-style: chr2-152548819-T-C.
Other names: c.1954A>G, p.Thr652Ala (NM_001164507.2, NM_001271208.2, NM_004543.5); short protein forms T652A.
Identifiers: ClinVar variation 847652 (VCV000847652.10), dbSNP rs752227497, ClinGen allele CA1911385.